The following is an entry in ClinVar:

NM_007325.5(GRIA3):c.413T>C (p.Val138Ala)

Gene: GRIA3 (glutamate ionotropic receptor AMPA type subunit 3; plus strand). Cytogenetic location: Xq25.
Variant type: single nucleotide variant.
Coding change: c.413T>C on transcript NM_007325.5 (MANE Select); coding-DNA position 413, T replaced by C.
Protein change: p.Val138Ala; replaces valine 138 with alanine.
Molecular consequence: missense variant.
Genome position (GRCh38, 1-based): chrX:123,253,447, T>C. VCF-style: chrX-123253447-T-C. GRCh37 (hg19) VCF-style: chrX-122387298-T-C.
Other names: c.413T>C, p.Val138Ala (NM_000828.5); short protein forms V138A.
Identifiers: ClinVar variation 3701640 (VCV003701640.2).

ClinVar aggregate classification (germline): Uncertain significance (1 of 4 stars; one submission).

gnomAD v4.1: 1 of 1,210,766 alleles (0.000083%); no homozygotes.

Submission:

Labcorp Genetics (formerly Invitae), Labcorp
Classification: Uncertain significance. Last evaluated: 2024-08-29. Review status: criteria provided, single submitter. Criteria: Invitae Variant Classification Sherloc (09022015). Collection method: clinical testing. Allele origin: germline.
Comment: This sequence change replaces valine, which is neutral and non-polar, with alanine, which is neutral and non-polar, at codon 138 of the GRIA3 protein (p.Val138Ala). This variant is not present in population databases (gnomAD no frequency). This variant has not been reported in the literature in individuals affected with GRIA3-related conditions. Invitae Evidence Modeling of protein sequence and biophysical properties (such as structural, functional, and spatial information, amino acid conservation, physicochemical variation, residue mobility, and thermodynamic stability) indicates that this missense variant is not expected to disrupt GRIA3 protein function with a negative predictive value of 80%. In summary, the available evidence is currently insufficient to determine the role of this variant in disease. Therefore, it has been classified as a Variant of Uncertain Significance.